The following is an entry in ClinVar:

ClinVar aggregate classification (germline): Uncertain significance (1 of 4 stars; one submission).

Submission:

Labcorp Genetics (formerly Invitae), Labcorp
Classification: Uncertain significance. Last evaluated: 2025-10-27. Review status: criteria provided, single submitter. Criteria: Invitae Variant Classification Sherloc (09022015). Collection method: clinical testing. Allele origin: germline.
Comment: This sequence change replaces glycine, which is neutral and non-polar, with aspartic acid, which is acidic and polar, at codon 88 of the LONP1 protein (p.Gly88Asp). This variant is not present in population databases (gnomAD no frequency). This variant has not been reported in the literature in individuals affected with LONP1-related conditions. Invitae Evidence Modeling of protein sequence and biophysical properties (such as structural, functional, and spatial information, amino acid conservation, physicochemical variation, residue mobility, and thermodynamic stability) indicates that this missense variant is not expected to disrupt LONP1 protein function with a negative predictive value of 95%. In summary, the available evidence is currently insufficient to determine the role of this variant in disease. Therefore, it has been classified as a Variant of Uncertain Significance.

NM_004793.4(LONP1):c.263G>A (p.Gly88Asp)

Gene: LONP1 (lon peptidase 1, mitochondrial; minus strand). Cytogenetic location: 19p13.3.
Variant type: single nucleotide variant.
Coding change: c.263G>A on transcript NM_004793.4 (MANE Select); coding-DNA position 263, G replaced by A.
Protein change: p.Gly88Asp; replaces glycine 88 with aspartic acid.
Molecular consequence: missense variant. On other transcripts: intron variant (2).
Genome position (GRCh38, 1-based): chr19:5,719,870, C>T on the plus strand (G>A on the coding strand, the complement: LONP1 is on the minus strand). VCF-style: chr19-5719870-C-T. GRCh37 (hg19) VCF-style: chr19-5719881-C-T.
Other names: c.-160+349G>A (NM_001276480.1); c.125-54G>A (NM_001276479.2); short protein forms G88D.
Identifiers: ClinVar variation 4699289 (VCV004699289.1).